The following is an entry in ClinVar:

ClinVar aggregate classification (germline): Uncertain significance. Review status: criteria provided, multiple submitters, no conflicts (2 of 4 stars). 2 submissions from 2 submitters: Uncertain significance (2). Last evaluated 2025-10-01.

Conditions:
Inborn genetic diseases. Identifiers: MedGen C0950123, MeSH D030342.

Allele frequency attached by ClinVar (database versions not stated): gnomAD exomes below 0.00001; ExAC 0.00002.
gnomAD v4.1: 6 of 1,608,598 alleles (0.00037%); highest among the groups gnomAD compares: Non-Finnish European, 0.00051%; no homozygotes.

Submissions (2):

Ambry Genetics
Classification: Uncertain significance for Inborn genetic diseases. Last evaluated: 2025-10-01. Review status: criteria provided, single submitter. Criteria: Ambry Variant Classification Scheme 2023. Collection method: clinical testing. Allele origin: germline.

Labcorp Genetics (formerly Invitae), Labcorp
Classification: Uncertain significance. Last evaluated: 2024-01-04. Review status: criteria provided, single submitter. Criteria: Invitae Variant Classification Sherloc (09022015). Collection method: clinical testing. Allele origin: germline.
Comment: This sequence change replaces glycine, which is neutral and non-polar, with serine, which is neutral and polar, at codon 126 of the EXOSC9 protein (p.Gly126Ser). This variant is present in population databases (rs757811725, gnomAD 0.003%). This variant has not been reported in the literature in individuals affected with EXOSC9-related conditions. Advanced modeling of protein sequence and biophysical properties (such as structural, functional, and spatial information, amino acid conservation, physicochemical variation, residue mobility, and thermodynamic stability) performed at Invitae indicates that this missense variant is expected to disrupt EXOSC9 protein function with a positive predictive value of 80%. In summary, the available evidence is currently insufficient to determine the role of this variant in disease. Therefore, it has been classified as a Variant of Uncertain Significance.

NM_005033.3(EXOSC9):c.376G>A (p.Gly126Ser)

Gene: EXOSC9 (exosome component 9; plus strand). Cytogenetic location: 4q27.
Variant type: single nucleotide variant.
Coding change: c.376G>A on transcript NM_005033.3 (MANE Select); coding-DNA position 376, G replaced by A.
Protein change: p.Gly126Ser; replaces glycine 126 with serine.
Molecular consequence: missense variant.
Genome position (GRCh38, 1-based): chr4:121,803,009, G>A. VCF-style: chr4-121803009-G-A. GRCh37 (hg19) VCF-style: chr4-122724164-G-A.
Other names: c.376G>A, p.Gly126Ser (NM_001034194.2); c.376G>A (NM_001034194.1); short protein forms G126S.
Identifiers: ClinVar variation 2959991 (VCV002959991.4), dbSNP rs757811725, ClinGen allele CA3063378.